The following is an entry in ClinVar:

ClinVar aggregate classification (germline): Uncertain significance (1 of 4 stars; one submission).

Conditions:
Inborn genetic diseases. Identifiers: MedGen C0950123, MeSH D030342.

gnomAD v4.1: 1 of 1,412,698 alleles (0.000071%); highest among the groups gnomAD compares: Non-Finnish European, 0.000092%; no homozygotes.

Submission:

Ambry Genetics
Classification: Uncertain significance for Inborn genetic diseases. Last evaluated: 2024-12-31. Review status: criteria provided, single submitter. Criteria: Ambry Variant Classification Scheme 2023. Collection method: clinical testing. Allele origin: germline.
Comment: The p.A17T variant (also known as c.49G>A), located in coding exon 1 of the KDM1A gene, results from a G to A substitution at nucleotide position 49. The alanine at codon 17 is replaced by threonine, an amino acid with similar properties. This amino acid position is conserved. In addition, this alteration is predicted to be tolerated by in silico analysis. Based on the available evidence, the clinical significance of this variant remains unclear.

NM_001009999.3(KDM1A):c.49G>A (p.Ala17Thr)

Gene: KDM1A (lysine demethylase 1A; plus strand). Cytogenetic location: 1p36.12.
Variant type: single nucleotide variant.
Coding change: c.49G>A on transcript NM_001009999.3 (MANE Select); coding-DNA position 49, G replaced by A.
Protein change: p.Ala17Thr; replaces alanine 17 with threonine.
Molecular consequence: missense variant.
Genome position (GRCh38, 1-based): chr1:23,019,645, G>A. VCF-style: chr1-23019645-G-A. GRCh37 (hg19) VCF-style: chr1-23346138-G-A.
Other names: c.49G>A, p.Ala17Thr (NM_001363654.2, NM_001410762.1, NM_001410763.1 and 1 more transcripts); short protein forms A17T.
Identifiers: ClinVar variation 3863242 (VCV003863242.1).